The following is an entry in ClinVar:

NM_001243133.2(NLRP3):c.2701G>C (p.Ala901Pro)

Gene: NLRP3 (NLR family pyrin domain containing 3; plus strand). Cytogenetic location: 1q44.
Variant type: single nucleotide variant.
Coding change: c.2701G>C on transcript NM_001243133.2 (MANE Select); coding-DNA position 2701, G replaced by C.
Protein change: p.Ala901Pro; replaces alanine 901 with proline.
Molecular consequence: missense variant.
Genome position (GRCh38, 1-based): chr1:247,444,009, G>C. VCF-style: chr1-247444009-G-C. GRCh37 (hg19) VCF-style: chr1-247607311-G-C.
Other names: c.2701G>C, p.Ala901Pro (NM_001079821.3); c.2530G>C, p.Ala844Pro (NM_001127461.3, NM_001127462.3); c.2707G>C, p.Ala903Pro (NM_004895.5); c.2359G>C, p.Ala787Pro (NM_183395.3); short protein forms A787P, A903P, A901P, A844P.
Identifiers: ClinVar variation 4626230 (VCV004626230.2).
Genomic context (GRCh38, chr1:247,444,009, plus strand): 5'-CTCTTCTCCCTGTCCTTCTACAGGTTGGTGAATTCTGGCCTTACGTCAGTCTGTTGTTCA[G>C]CTTTGTCCTCGGTACTCAGCACTAATCAGAATCTCACGCACCTTTACCTGCGAGGCAACA-3'
Protein context (NP_001230062.1, residues 891-911): NSGLTSVCCS[Ala901Pro]LSSVLSTNQN

ClinVar aggregate classification (germline): Uncertain significance. Review status: criteria provided, multiple submitters, no conflicts (2 of 4 stars). 2 submissions from 2 submitters: Uncertain significance (2). Last evaluated 2025-12-03.

Conditions:
Inborn genetic diseases. Identifiers: MedGen C0950123, MeSH D030342.

gnomAD v4.1: 4 of 1,614,014 alleles (0.00025%); highest among the groups gnomAD compares: East Asian, 0.0067%; no homozygotes.

Submissions (2):

Ambry Genetics
Classification: Uncertain significance for Inborn genetic diseases. Last evaluated: 2025-12-03. Review status: criteria provided, single submitter. Criteria: Ambry Variant Classification Scheme 2023. Collection method: clinical testing. Allele origin: germline.

GeneDx
Classification: Uncertain significance. Last evaluated: 2025-08-11. Review status: criteria provided, single submitter. Criteria: GeneDx Variant Classification Process June 2021. Collection method: clinical testing. Allele origin: germline. Affected: yes.
Comment: In silico analysis suggests that this missense variant does not alter protein structure/function; Has not been previously published as pathogenic or benign to our knowledge; Also known as A928P